The following is an entry in ClinVar:

ClinVar aggregate classification (germline): Benign. Review status: criteria provided, multiple submitters, no conflicts (2 of 4 stars). 3 submissions from 3 submitters: Benign (3). Last evaluated 2018-06-26.

Conditions:
Giant axonal neuropathy 1 (GAN1). Also called: GAN-Related Neurodegeneration; GIANT AXONAL NEUROPATHY 1, AUTOSOMAL RECESSIVE. Identifiers: Orphanet 643, MedGen C1850386, MONDO:0009749, OMIM 256850.

Allele frequency attached by ClinVar (database versions not stated): 1000 Genomes Project 30x 0.01280; 1000 Genomes Project 0.01298; TOPMed 0.02636; gnomAD 0.03140 and 0.03196; gnomAD exomes 0.04257.
gnomAD v4.1: 49,648 of 1,214,872 alleles (4.1%); highest among the groups gnomAD compares: Non-Finnish European, 5%; 1,257 homozygotes.

Submissions (3):

GeneDx
Classification: Benign. Last evaluated: 2018-06-26. Review status: criteria provided, single submitter. Criteria: GeneDx Variant Classification Process June 2021. Collection method: clinical testing. Allele origin: germline. Affected: yes.

Illumina Laboratory Services, Illumina
Classification: Benign for Giant axonal neuropathy 1. Last evaluated: 2018-01-13. Review status: criteria provided, single submitter. Criteria: ICSL Variant Classification Criteria 13 December 2019. Collection method: clinical testing. Allele origin: germline.
Comment: This variant was observed in the ICSL laboratory as part of a predisposition screen in an ostensibly healthy population. It had not been previously curated by ICSL or reported in the Human Gene Mutation Database (HGMD: prior to June 1st, 2018), and was therefore a candidate for classification through an automated scoring system. Utilizing variant allele frequency, disease prevalence and penetrance estimates, and inheritance mode, an automated score was calculated to assess if this variant is too frequent to cause the disease. Based on the score and internal cut-off values, a variant classified as benign is not then subjected to further curation. The score for this variant resulted in a classification of benign for this disease.

Breakthrough Genomics
Classification: Benign. Review status: criteria provided, single submitter. Criteria: ACMG Guidelines, 2015. Collection method: not provided. Allele origin: germline. Inheritance: Autosomal recessive inheritance. Affected: yes.

NM_022041.4(GAN):c.*81T>C

Gene: GAN (gigaxonin; plus strand). Cytogenetic location: 16q23.2.
Variant type: single nucleotide variant.
Coding change: c.*81T>C on transcript NM_022041.4 (MANE Select); 81 bases downstream of the stop codon, T replaced by C.
Molecular consequence: 3 prime UTR variant.
Genome position (GRCh38, 1-based): chr16:81,377,677, T>C. VCF-style: chr16-81377677-T-C. GRCh37 (hg19) VCF-style: chr16-81411282-T-C.
Other names: c.*81T>C (NM_001377486.1).
Identifiers: ClinVar variation 320664 (VCV000320664.8), dbSNP rs78835723, ClinGen allele CA10644320.
Genomic context (GRCh38, chr16:81,377,677, plus strand): 5'-CGAGATCCTGACCCAAGAGCACCATAACATAGCTCCGAAAGGGAGAGCAGAGATGGCAGC[T>C]GAAACTCACTCTGTGCTGGGCTTTGGTATGGTAACTCTTTGGTGGTTTTATGATGCTTAC-3'